The following is an entry in ClinVar:

NM_004453.4(ETFDH):c.1453A>C (p.Thr485Pro)

Gene: ETFDH (electron transfer flavoprotein dehydrogenase; plus strand). Cytogenetic location: 4q32.1.
Variant type: single nucleotide variant.
Coding change: c.1453A>C on transcript NM_004453.4 (MANE Select); coding-DNA position 1453, A replaced by C.
Protein change: p.Thr485Pro; replaces threonine 485 with proline.
Molecular consequence: missense variant.
Genome position (GRCh38, 1-based): chr4:158,706,356, A>C. VCF-style: chr4-158706356-A-C. GRCh37 (hg19) VCF-style: chr4-159627508-A-C.
Other names: c.1312A>C, p.Thr438Pro (NM_001281737.2); c.1270A>C, p.Thr424Pro (NM_001281738.1); short protein forms T424P, T438P, T485P.
Identifiers: ClinVar variation 990939 (VCV000990939.6), dbSNP rs1774616683, ClinGen allele CA358564620.

ClinVar aggregate classification (germline): Uncertain significance. Review status: criteria provided, single submitter (1 of 4 stars). 2 submissions from 2 submitters: Uncertain significance (1). 1 of the submissions does not count toward it. Last evaluated 2022-04-01.

Conditions:
Multiple acyl-CoA dehydrogenase deficiency (MADD). Also called: Glutaric acidemia type II; GA 2; ETHYLMALONIC-ADIPICACIDURIA; GA II; Glutaric aciduria, type 2; Glutaric Acidemia type 2. Identifiers: Orphanet 26791, MedGen C0268596, MONDO:0009282, OMIM 231680.

Submissions (2):

Labcorp Genetics (formerly Invitae), Labcorp
Classification: Uncertain significance for Multiple acyl-CoA dehydrogenase deficiency. Last evaluated: 2022-04-01. Review status: criteria provided, single submitter. Criteria: Invitae Variant Classification Sherloc (09022015). Collection method: clinical testing. Allele origin: germline.
Comment: This sequence change replaces threonine, which is neutral and polar, with proline, which is neutral and non-polar, at codon 485 of the ETFDH protein (p.Thr485Pro). This variant is not present in population databases (gnomAD no frequency). This missense change has been observed in individual(s) with multiple acyl-CoA dehydrogenase deficiency (Invitae). ClinVar contains an entry for this variant (Variation ID: 990939). Advanced modeling of protein sequence and biophysical properties (such as structural, functional, and spatial information, amino acid conservation, physicochemical variation, residue mobility, and thermodynamic stability) performed at Invitae indicates that this missense variant is expected to disrupt ETFDH protein function. In summary, the available evidence is currently insufficient to determine the role of this variant in disease. Therefore, it has been classified as a Variant of Uncertain Significance.

Natera, Inc.
Classification: Uncertain significance for Glutaric aciduria type 2. Last evaluated: 2020-04-21. Review status: no assertion criteria provided. Collection method: clinical testing. Allele origin: germline. Not counted in ClinVar's aggregate classification.